The following is an entry in ClinVar:

NM_006796.3(AFG3L2):c.2252C>T (p.Ala751Val)

Genes: AFG3L2 (AFG3 like matrix AAA peptidase subunit 2; minus strand), TUBB6 (tubulin beta 6 class V; plus strand). Cytogenetic location: 18p11.21.
Variant type: single nucleotide variant.
Coding change: c.2252C>T on transcript NM_006796.3 (MANE Select); coding-DNA position 2252, C replaced by T.
Protein change: p.Ala751Val; replaces alanine 751 with valine.
Molecular consequence: missense variant. On other transcripts: 3 prime UTR variant (1).
Genome position (GRCh38, 1-based): chr18:12,329,707, G>A on the plus strand (C>T on the coding strand, the complement: AFG3L2 is on the minus strand). VCF-style: chr18-12329707-G-A. GRCh37 (hg19) VCF-style: chr18-12329706-G-A.
Other names: c.*524G>A (NM_001303525.2); short protein forms A751V.
Identifiers: ClinVar variation 2249228 (VCV002249228.4), dbSNP rs543969956, ClinGen allele CA8896237.
Genomic context (GRCh38, chr18:12,329,707, plus strand): 5'-GAGGTGTCCTCATCCAAGCTGCCAGTGCCTTCCACAAATTCTTCATAGGTAGATTTTTCC[G>A]CAAATGGTCTGGGGCCCAAAAGTTCAACCATATCATTCTTATCTAATACTTCTTTTTCTA-3'
Protein context (NP_006787.2, residues 741-761): MVELLGPRPF[Ala751Val]EKSTYEEFVE

ClinVar aggregate classification (germline): Uncertain significance. Review status: criteria provided, multiple submitters, no conflicts (2 of 4 stars). 3 submissions from 3 submitters: Uncertain significance (3). Last evaluated 2025-09-20.

Conditions:
Inborn genetic diseases. Identifiers: MedGen C0950123, MeSH D030342.

Allele frequency attached by ClinVar (database versions not stated): ExAC 0.00002; gnomAD 0.00003; TOPMed 0.00002; 1000 Genomes Project 0.00020; 1000 Genomes Project 30x 0.00016.
gnomAD v4.1: 33 of 1,614,128 alleles (0.002%); highest among the groups gnomAD compares: South Asian, 0.0033%; no homozygotes.

Submissions (3):

Labcorp Genetics (formerly Invitae), Labcorp
Classification: Uncertain significance. Last evaluated: 2025-09-20. Review status: criteria provided, single submitter. Criteria: Invitae Variant Classification Sherloc (09022015). Collection method: clinical testing. Allele origin: germline.
Comment: This sequence change replaces alanine, which is neutral and non-polar, with valine, which is neutral and non-polar, at codon 751 of the AFG3L2 protein (p.Ala751Val). This variant is present in population databases (rs543969956, gnomAD 0.004%). This variant has not been reported in the literature in individuals affected with AFG3L2-related conditions. ClinVar contains an entry for this variant (Variation ID: 2249228). Invitae Evidence Modeling of protein sequence and biophysical properties (such as structural, functional, and spatial information, amino acid conservation, physicochemical variation, residue mobility, and thermodynamic stability) indicates that this missense variant is not expected to disrupt AFG3L2 protein function with a negative predictive value of 95%. In summary, the available evidence is currently insufficient to determine the role of this variant in disease. Therefore, it has been classified as a Variant of Uncertain Significance.

Ambry Genetics
Classification: Uncertain significance for Inborn genetic diseases. Last evaluated: 2025-07-02. Review status: criteria provided, single submitter. Criteria: Ambry Variant Classification Scheme 2023. Collection method: clinical testing. Allele origin: germline.

GeneDx
Classification: Uncertain significance. Last evaluated: 2022-11-22. Review status: criteria provided, single submitter. Criteria: GeneDx Variant Classification Process June 2021. Collection method: clinical testing. Allele origin: germline. Affected: yes.
Comment: Not observed at significant frequency in large population cohorts (gnomAD); In silico analysis supports that this missense variant does not alter protein structure/function; Has not been previously published as pathogenic or benign to our knowledge